The following is an entry in ClinVar:

NM_001429.4(EP300):c.6820C>A (p.Gln2274Lys)

Gene: EP300 (EP300 lysine acetyltransferase; plus strand). Cytogenetic location: 22q13.2.
Variant type: single nucleotide variant.
Coding change: c.6820C>A on transcript NM_001429.4 (MANE Select); coding-DNA position 6820, C replaced by A.
Protein change: p.Gln2274Lys; replaces glutamine 2274 with lysine.
Molecular consequence: missense variant.
Genome position (GRCh38, 1-based): chr22:41,178,531, C>A. VCF-style: chr22-41178531-C-A. GRCh37 (hg19) VCF-style: chr22-41574535-C-A.
Other names: c.6742C>A, p.Gln2248Lys (NM_001362843.2); c.6820C>A (NM_001429.3); short protein forms Q2274K, Q2248K.
Identifiers: ClinVar variation 3713651 (VCV003713651.3).

ClinVar aggregate classification (germline): Conflicting classifications of pathogenicity. Review status: criteria provided, conflicting classifications (1 of 4 stars). 2 submissions from 2 submitters: Uncertain significance (1); Likely benign (1). Last evaluated 2026-06-23.

Conditions:
Rubinstein-Taybi syndrome due to EP300 haploinsufficiency. Also called: EP300-Related Rubinstein-Taybi Syndrome; RUBINSTEIN-TAYBI SYNDROME 2. Identifiers: Orphanet 353284, Orphanet 783, MedGen C3150941, MONDO:0013364, OMIM 613684.
EP300-related disorder. Also called: EP300-related condition; EP300-related disorders.

gnomAD v4.1: 3 of 1,613,986 alleles (0.00019%); highest among the groups gnomAD compares: African/African-American, 0.0027%; no homozygotes.

Submissions (2):

PreventionGenetics, part of Exact Sciences
Classification: Uncertain significance for EP300-related condition. Last evaluated: 2026-06-23. Review status: criteria provided, single submitter. Criteria: ACMG Guidelines, 2015. Collection method: clinical testing. Allele origin: germline.
Comment: The EP300 c.6820C>A variant is predicted to result in the amino acid substitution p.Gln2274Lys. To our knowledge, this variant has not been reported in the literature. This variant is reported in 0.012% of alleles in individuals of African descent in gnomAD. At this time, the clinical significance of this variant is uncertain due to the absence of conclusive functional and genetic evidence.

Labcorp Genetics (formerly Invitae), Labcorp
Classification: Likely benign for Rubinstein-Taybi syndrome due to EP300 haploinsufficiency. Last evaluated: 2024-08-31. Review status: criteria provided, single submitter. Criteria: Invitae Variant Classification Sherloc (09022015). Collection method: clinical testing. Allele origin: germline.